The following is an entry in ClinVar:

NM_003470.3(USP7):c.60C>T (p.Pro20=)

Genes: USP7 (ubiquitin specific peptidase 7; minus strand), USP7-AS1 (USP7 antisense RNA 1; plus strand). Cytogenetic location: 16p13.2.
Variant type: single nucleotide variant.
Coding change: c.60C>T on transcript NM_003470.3 (MANE Select); coding-DNA position 60, C replaced by T.
Protein change: p.Pro20=; no amino-acid change (proline 20 retained).
Molecular consequence: synonymous variant.
Genome position (GRCh38, 1-based): chr16:8,963,226, G>A on the plus strand (C>T on the coding strand, the complement: USP7 is on the minus strand). VCF-style: chr16-8963226-G-A. GRCh37 (hg19) VCF-style: chr16-9057083-G-A.
Other names: p.Pro20=.
Identifiers: ClinVar variation 2043545 (VCV002043545.29), dbSNP rs374020920, ClinGen allele CA7895905.

ClinVar aggregate classification (germline): Benign. Review status: criteria provided, multiple submitters, no conflicts (2 of 4 stars). 3 submissions from 3 submitters: Benign (3). Last evaluated 2026-04-01.

Allele frequency attached by ClinVar (database versions not stated): 1000 Genomes Project 0.00240; 1000 Genomes Project 30x 0.00297; TOPMed 0.00455; ESP Exome Variant Server 0.00490; ExAC 0.01666.
gnomAD v4.1: 8,180 of 1,409,262 alleles (0.58%); highest among the groups gnomAD compares: Middle Eastern, 1.9%; 73 homozygotes.

Submissions (3):

CeGaT Center for Human Genetics Tuebingen
Classification: Benign. Last evaluated: 2026-04-01. Review status: criteria provided, single submitter. Criteria: CeGaT Center For Human Genetics Tuebingen Variant Classification Criteria Version 2. Collection method: clinical testing. Allele origin: germline. Affected: yes. Observed: 26 variant alleles.
Comment: USP7: BP4, BP7, BS1, BS2

Labcorp Genetics (formerly Invitae), Labcorp
Classification: Benign. Last evaluated: 2026-01-27. Review status: criteria provided, single submitter. Criteria: Invitae Variant Classification Sherloc (09022015). Collection method: clinical testing. Allele origin: germline.

Mayo Clinic Laboratories, Mayo Clinic
Classification: Benign. Last evaluated: 2023-03-23. Review status: criteria provided, single submitter. Criteria: ACMG Guidelines, 2015. Collection method: clinical testing. Allele origin: germline. Observed: 6 variant alleles.
Comment: BS1, BS2, BP4, BP7